The following is an entry in ClinVar:

ClinVar aggregate classification (germline): Likely pathogenic (1 of 4 stars; one submission).

Conditions:
Tuberous sclerosis 1 (TSC1). Identifiers: Orphanet 805, MedGen C1854465, MONDO:0008612, OMIM 191100.

Submissions (2):

Myriad Genetics, Inc.
Classification: Likely pathogenic for Tuberous sclerosis 1. Last evaluated: 2024-02-21. Review status: criteria provided, single submitter. Criteria: Myriad Autosomal Dominant, Autosomal Recessive and X-Linked Classification Criteria (2023). Collection method: clinical testing. Allele origin: unknown.
Comment: This variant is considered likely pathogenic. This variant occurs within a consensus splice junction and is predicted to result in abnormal mRNA splicing of either an out-of-frame exon or an in-frame exon necessary for protein stability and/or normal function.

Dr. Peter K. Rogan Lab, Western University
No classification provided (evidence only). Condition: Malignant tumor of urinary bladder. Review status: no classification provided. Collection method: in vitro. Allele origin: not applicable. Functional consequence: retained intron. Not counted in ClinVar's aggregate classification.

NM_000368.5(TSC1):c.2392-1G>T

Gene: TSC1 (TSC complex subunit 1; minus strand). Cytogenetic location: 9q34.13.
Variant type: single nucleotide variant.
Coding change: c.2392-1G>T on transcript NM_000368.5 (MANE Select); the canonical splice acceptor site of the intron before coding-DNA position 2392, G replaced by T.
Molecular consequence: splice acceptor variant.
Genome position (GRCh38, 1-based): chr9:132,901,700, C>A on the plus strand (G>T on the coding strand, the complement: TSC1 is on the minus strand). VCF-style: chr9-132901700-C-A. GRCh37 (hg19) VCF-style: chr9-135777087-C-A.
Other names: NC_000009.11:g.135777087C>A; c.2026-1G>T (NM_001406620.1, NM_001406625.1, NM_001406621.1 and 2 more transcripts); c.2029-1G>T (NM_001406618.1, NM_001406617.1, NM_001406619.1 and 5 more transcripts); c.2236-1G>T (NM_001406613.1, NM_001406612.1, NM_001406611.1); c.2239-1G>T (NM_001406610.1, NM_001162427.2); c.1438-1G>T (NM_001406627.1, NM_001406628.1); c.1339-1G>T (NM_001406629.1, NM_001406630.1); c.2374-1G>T (NM_001406603.1, NM_001406604.1); and 4 more.
Identifiers: ClinVar variation 3148706 (VCV003148706.2), dbSNP rs397514822, ClinGen allele CA375358841.